The following is an entry in ClinVar:

ClinVar aggregate classification (germline): Conflicting classifications of pathogenicity. Review status: criteria provided, conflicting classifications (1 of 4 stars). 3 submissions from 3 submitters: Uncertain significance (2); Benign (1). Last evaluated 2025-11-12.

Allele frequency attached by ClinVar (database versions not stated): gnomAD exomes 0.00001; 1000 Genomes Project 0.00020; gnomAD 0.00024; TOPMed 0.00023; ExAC 0.00006; ESP Exome Variant Server 0.00016; 1000 Genomes Project 30x 0.00031.
gnomAD v4.1: 57 of 1,613,976 alleles (0.0035%); highest among the groups gnomAD compares: African/African-American, 0.072%; no homozygotes.

Submissions (3):

Labcorp Genetics (formerly Invitae), Labcorp
Classification: Benign. Last evaluated: 2025-11-12. Review status: criteria provided, single submitter. Criteria: Invitae Variant Classification Sherloc (09022015). Collection method: clinical testing. Allele origin: germline.

Mayo Clinic Laboratories, Mayo Clinic
Classification: Uncertain significance. Last evaluated: 2023-03-02. Review status: criteria provided, single submitter. Criteria: ACMG Guidelines, 2015. Collection method: clinical testing. Allele origin: germline. Observed: 1 variant allele.
Comment: BP4_strong

Ambry Genetics
Classification: Uncertain significance. Last evaluated: 2021-10-21. Review status: criteria provided, single submitter. Criteria: Ambry Variant Classification Scheme 2023. Collection method: clinical testing. Allele origin: germline.

NM_003126.4(SPTA1):c.3622G>A (p.Ala1208Thr)

Gene: SPTA1 (spectrin alpha, erythrocytic 1; minus strand). Cytogenetic location: 1q23.1.
Variant type: single nucleotide variant.
Coding change: c.3622G>A on transcript NM_003126.4 (MANE Select); coding-DNA position 3622, G replaced by A.
Protein change: p.Ala1208Thr; replaces alanine 1208 with threonine.
Molecular consequence: missense variant.
Genome position (GRCh38, 1-based): chr1:158,648,601, C>T on the plus strand (G>A on the coding strand, the complement: SPTA1 is on the minus strand). VCF-style: chr1-158648601-C-T. GRCh37 (hg19) VCF-style: chr1-158618391-C-T.
Other names: p.Ala1208Thr; short protein forms A1208T.
Identifiers: ClinVar variation 2397193 (VCV002397193.5), dbSNP rs180925766, ClinGen allele CA1182985.